The following is an entry in ClinVar:

ClinVar aggregate classification (germline): Pathogenic (1 of 4 stars; one submission).

Submission:

GeneDx
Classification: Pathogenic. Last evaluated: 2025-03-08. Review status: criteria provided, single submitter. Criteria: GeneDx Variant Classification Process June 2021. Collection method: clinical testing. Allele origin: germline. Affected: yes.
Comment: Frameshift variant predicted to result in abnormal protein length as the last 293 amino acid(s) are replaced with 72 different amino acid(s), and other similar variants have been reported in HGMD; Not observed at significant frequency in large population cohorts (gnomAD); Has not been previously published as pathogenic or benign to our knowledge

NM_006885.4(ZFHX3):c.10231_10234del (p.Asp3411fs)

Genes: ZFHX3 (zinc finger homeobox 3; minus strand), ZFHX3-AS1 (ZFHX3 antisense RNA 1; plus strand). Cytogenetic location: 16q22.2.
Variant type: Deletion.
Coding change: c.10231_10234del on transcript NM_006885.4 (MANE Select); coding-DNA positions 10231 to 10234, 4 bases deleted (GACA; older notation c.10231_10234delGACA).
Protein change: p.Asp3411fs; shifts the reading frame from aspartic acid 3411.
Molecular consequence: frameshift variant.
Genome position (GRCh38, 1-based): chr16:72,788,042-72,788,045, TGTC deleted on the plus strand (GACA on the coding strand, the reverse complement: ZFHX3 is on the minus strand); deleting any 4 consecutive bases within chr16:72,788,042-72,788,047 gives the same sequence; the c. name uses the placement nearest the transcript's 3' end. VCF-style (leftmost placement, unchanged base first): chr16-72788041-TTGTC-T. GRCh37 (hg19) VCF-style: chr16-72821940-TTGTC-T.
Other names: c.7489_7492del, p.Asp2497fs (NM_001164766.2); c.10231_10234del, p.Asp3411fs (NM_001386735.1); short protein forms D2497fs, D3411fs.
Identifiers: ClinVar variation 4082602 (VCV004082602.1).